The following is an entry in ClinVar:

ClinVar aggregate classification (germline): Uncertain significance. Review status: criteria provided, multiple submitters, no conflicts (2 of 4 stars). 2 submissions from 2 submitters: Uncertain significance (2). Last evaluated 2024-01-25.

Submissions (2):

Quest Diagnostics Nichols Institute San Juan Capistrano
Classification: Uncertain significance. Last evaluated: 2024-01-25. Review status: criteria provided, single submitter. Criteria: Quest Diagnostics criteria. Collection method: clinical testing. Allele origin: unknown.
Comment: The PMS2 c.1156A>G (p.Lys386Glu) variant has not been reported in individuals with PMS2-related conditions in the published literature. It also has not been reported in large, multi-ethnic general populations (Genome Aggregation Database). Analysis of this variant using bioinformatics tools for the prediction of the effect of amino acid changes on protein structure and function yielded predictions that this variant is benign. Based on the available information, we are unable to determine the clinical significance of this variant.

GeneDx
Classification: Uncertain significance. Last evaluated: 2022-11-22. Review status: criteria provided, single submitter. Criteria: GeneDx Variant Classification Process June 2021. Collection method: clinical testing. Allele origin: germline. Affected: yes.
Comment: Not observed at significant frequency in large population cohorts (gnomAD); In silico analysis supports that this missense variant does not alter protein structure/function; Has not been previously published as pathogenic or benign to our knowledge

NM_000535.7(PMS2):c.1156A>G (p.Lys386Glu)

Gene: PMS2 (PMS1 homolog 2, mismatch repair system component; minus strand). Cytogenetic location: 7p22.1.
Variant type: single nucleotide variant.
Coding change: c.1156A>G on transcript NM_000535.7 (MANE Select); coding-DNA position 1156, A replaced by G.
Protein change: p.Lys386Glu; replaces lysine 386 with glutamic acid.
Molecular consequence: missense variant. On other transcripts: non-coding transcript variant (1), intron variant (1).
Genome position (GRCh38, 1-based): chr7:5,987,609, T>C on the plus strand (A>G on the coding strand, the complement: PMS2 is on the minus strand). VCF-style: chr7-5987609-T-C. GRCh37 (hg19) VCF-style: chr7-6027240-T-C.
Other names: c.751A>G, p.Lys251Glu (NM_001018040.1, NM_001322003.2, NM_001322004.2 and 17 more transcripts); c.1000A>G, p.Lys334Glu (NM_001322006.2, NM_001406870.1); c.838A>G, p.Lys280Glu (NM_001322007.2, NM_001322008.2, NM_001406876.1 and 2 more transcripts); c.595A>G, p.Lys199Glu (NM_001322010.2, NM_001406906.1, NM_001406907.1); c.223A>G, p.Lys75Glu (NM_001322011.2, NM_001322012.2); c.583A>G, p.Lys195Glu (NM_001322013.2, NM_001406909.1); c.1156A>G, p.Lys386Glu (NM_001322014.2, NM_001406871.1, NM_001406872.1); c.847A>G, p.Lys283Glu (NM_001322015.2, NM_001406875.1, NM_001406877.1 and 5 more transcripts); and 14 more; short protein forms K129E, K195E, K199E, K215E, K228E, K231E, K251E, K264E.
Identifiers: ClinVar variation 2502635 (VCV002502635.2), dbSNP rs2128737215, ClinGen allele CA366742681.